The following is an entry in ClinVar:

ClinVar aggregate classification (germline): Uncertain significance. Review status: criteria provided, multiple submitters, no conflicts (2 of 4 stars). 2 submissions from 2 submitters: Uncertain significance (2). Last evaluated 2025-12-01.

Conditions:
Inborn genetic diseases. Identifiers: MedGen C0950123, MeSH D030342.

Allele frequency attached by ClinVar (database versions not stated): ExAC 0.00001; gnomAD exomes 0.00001; TOPMed 0.00002; gnomAD 0.00003.
gnomAD v4.1: 23 of 1,613,564 alleles (0.0014%); highest among the groups gnomAD compares: Admixed American, 0.0033%; no homozygotes.

Submissions (2):

Labcorp Genetics (formerly Invitae), Labcorp
Classification: Uncertain significance. Last evaluated: 2025-12-01. Review status: criteria provided, single submitter. Criteria: Invitae Variant Classification Sherloc (09022015). Collection method: clinical testing. Allele origin: germline.
Comment: This sequence change replaces isoleucine, which is neutral and non-polar, with threonine, which is neutral and polar, at codon 653 of the RBBP8 protein (p.Ile653Thr). This variant is present in population databases (rs199641400, gnomAD 0.0009%). This variant has not been reported in the literature in individuals affected with RBBP8-related conditions. ClinVar contains an entry for this variant (Variation ID: 1981211). Invitae Evidence Modeling of protein sequence and biophysical properties (such as structural, functional, and spatial information, amino acid conservation, physicochemical variation, residue mobility, and thermodynamic stability) indicates that this missense variant is not expected to disrupt RBBP8 protein function with a negative predictive value of 80%. In summary, the available evidence is currently insufficient to determine the role of this variant in disease. Therefore, it has been classified as a Variant of Uncertain Significance.

Ambry Genetics
Classification: Uncertain significance for Inborn genetic diseases. Last evaluated: 2024-10-01. Review status: criteria provided, single submitter. Criteria: Ambry Variant Classification Scheme 2023. Collection method: clinical testing. Allele origin: germline.

NM_002894.3(RBBP8):c.1958T>C (p.Ile653Thr)

Gene: RBBP8 (RB binding protein 8, endonuclease; plus strand). Cytogenetic location: 18q11.2.
Variant type: single nucleotide variant.
Coding change: c.1958T>C on transcript NM_002894.3 (MANE Select); coding-DNA position 1958, T replaced by C.
Protein change: p.Ile653Thr; replaces isoleucine 653 with threonine.
Molecular consequence: missense variant.
Genome position (GRCh38, 1-based): chr18:22,996,392, T>C. VCF-style: chr18-22996392-T-C. GRCh37 (hg19) VCF-style: chr18-20576355-T-C.
Other names: c.1958T>C (NM_002894.2); c.1958T>C, p.Ile653Thr (NM_203291.2, NM_203292.2); short protein forms I653T.
Identifiers: ClinVar variation 1981211 (VCV001981211.4), dbSNP rs199641400, ClinGen allele CA8910198.